The following is an entry in ClinVar:

NM_003998.4(NFKB1):c.570A>T (p.Gly190=)

Gene: NFKB1 (nuclear factor kappa B subunit 1; plus strand). Cytogenetic location: 4q24.
Variant type: single nucleotide variant.
Coding change: c.570A>T on transcript NM_003998.4 (MANE Select); coding-DNA position 570, A replaced by T.
Protein change: p.Gly190=; no amino-acid change (glycine 190 retained).
Molecular consequence: synonymous variant.
Genome position (GRCh38, 1-based): chr4:102,577,038, A>T. VCF-style: chr4-102577038-A-T. GRCh37 (hg19) VCF-style: chr4-103498195-A-T.
Other names: c.567A>T, p.Gly189= (NM_001165412.2, NM_001319226.2, NM_001382627.1); c.570A>T, p.Gly190= (NM_001382625.1, NM_001382626.1); c.528A>T, p.Gly176= (NM_001382628.1).
Identifiers: ClinVar variation 2817011 (VCV002817011.3), dbSNP rs780802592, ClinGen allele CA440624003.

ClinVar aggregate classification (germline): Uncertain significance (1 of 4 stars; one submission).

gnomAD v4.1: 2 of 1,607,974 alleles (0.00012%); highest among the groups gnomAD compares: Non-Finnish European, 0.00017%; no homozygotes.

Submission:

Labcorp Genetics (formerly Invitae), Labcorp
Classification: Uncertain significance. Last evaluated: 2023-01-15. Review status: criteria provided, single submitter. Criteria: Invitae Variant Classification Sherloc (09022015). Collection method: clinical testing. Allele origin: germline.
Comment: In summary, the available evidence is currently insufficient to determine the role of this variant in disease. Therefore, it has been classified as a Variant of Uncertain Significance. Algorithms developed to predict the effect of sequence changes on RNA splicing suggest that this variant is not likely to affect RNA splicing. This variant has not been reported in the literature in individuals affected with NFKB1-related conditions. This variant is not present in population databases (gnomAD no frequency). This sequence change affects codon 190 of the NFKB1 mRNA. It is a 'silent' change, meaning that it does not change the encoded amino acid sequence of the NFKB1 protein. It affects a nucleotide within the consensus splice site.